The following is an entry in ClinVar:

NM_000051.4(ATM):c.8671+1G>C

Genes: ATM (ATM serine/threonine kinase; plus strand), C11orf65 (chromosome 11 open reading frame 65; minus strand). Cytogenetic location: 11q22.3.
Variant type: single nucleotide variant.
Coding change: c.8671+1G>C on transcript NM_000051.4 (MANE Select); the canonical splice donor site of the intron after coding-DNA position 8671, G replaced by C.
Molecular consequence: splice donor variant. On other transcripts: intron variant (2).
Genome position (GRCh38, 1-based): chr11:108,347,366, G>C. VCF-style: chr11-108347366-G-C. GRCh37 (hg19) VCF-style: chr11-108218093-G-C.
Other names: c.8671+1G>C (NM_001351834.2); c.641-38295C>G (NM_001330368.2); c.695-12074C>G (NM_001351110.2).
Identifiers: ClinVar variation 3148148 (VCV003148148.1), dbSNP rs1555139694, ClinGen allele CA382521353.

ClinVar aggregate classification (germline): Likely pathogenic. Review status: criteria provided, multiple submitters, no conflicts (2 of 4 stars). 2 submissions from 2 submitters: Likely pathogenic (2). Last evaluated 2024-04-30.

Conditions:
Ataxia-telangiectasia syndrome (AT). Also called: AT, COMPLEMENTATION GROUP C; Ataxia-telangiectasia, complementation group D; ATAXIA-TELANGIECTASIA, COMPLEMENTATION GROUP A; ATAXIA-TELANGIECTASIA, FRESNO VARIANT; Ataxia-telangiectasia; Ataxia-telangiectasia, complementation group E. Identifiers: Orphanet 100, MedGen C0004135, MONDO:0008840, OMIM 208900.
Familial cancer of breast. Also called: hereditary breast carcinoma; BREAST CANCER, FAMILIAL; Hereditary breast cancer. Identifiers: Orphanet 227535, MedGen C0346153, MONDO:0016419, OMIM 114480. Disease mechanism: loss of function.

Submissions (2):

Natera, Inc.
Classification: Likely pathogenic for Ataxia-telangiectasia. Last evaluated: 2024-04-30. Review status: criteria provided, single submitter. Criteria: Natera Variant Classification Schema (03/2026). Collection method: clinical testing. Allele origin: germline.
Comment: The c.8671+1G>C variant in ATM is a canonical splice donor site variant predicted to affect pre-mRNA splicing, which may result in an abnormal transcript and altered protein product. This variant is expected to result in nonsense mediated decay, truncation, or a dysfunctional protein product. This variant is rare in the general population with a frequency below the threshold expected for the associated phenotype(s). This variant has been observed in one or more individuals affected with the associated recessive disease, as either homozygous or compound heterozygous with a second variant (PMID: 37075885). Given the available evidence, this variant is classified as Likely Pathogenic.

Myriad Genetics, Inc.
Classification: Likely pathogenic for Familial cancer of breast. Last evaluated: 2024-02-05. Review status: criteria provided, single submitter. Criteria: Myriad Autosomal Dominant, Autosomal Recessive and X-Linked Classification Criteria (2023). Collection method: clinical testing. Allele origin: unknown.
Comment: This variant is considered likely pathogenic. This variant occurs within a consensus splice junction and is predicted to result in abnormal mRNA splicing of either an out-of-frame exon or an in-frame exon necessary for protein stability and/or normal function.

Literature cited by the submitters: PubMed 37075885 (cited by Natera, Inc.).